The following is an entry in ClinVar:

ClinVar aggregate classification (germline): Uncertain significance (1 of 4 stars; one submission).

Conditions:
Hereditary cancer-predisposing syndrome. Also called: Hereditary Cancer Syndrome; Hereditary neoplastic syndrome; Neoplastic Syndromes, Hereditary; Tumor predisposition. Identifiers: Orphanet 140162, MedGen C0027672, MeSH D009386, MONDO:0015356.

Submission:

Ambry Genetics
Classification: Uncertain significance for Hereditary cancer-predisposing syndrome. Last evaluated: 2019-10-30. Review status: criteria provided, single submitter. Criteria: Ambry Variant Classification Scheme 2023. Collection method: clinical testing. Allele origin: germline.
Comment: The p.L466F variant (also known as c.1398G>C), located in coding exon 12 of the CHEK2 gene, results from a G to C substitution at nucleotide position 1398. The leucine at codon 466 is replaced by phenylalanine, an amino acid with highly similar properties. This amino acid position is highly conserved in available vertebrate species. In addition, the in silico prediction for this alteration is inconclusive. Since supporting evidence is limited at this time, the clinical significance of this alteration remains unclear.

NM_007194.4(CHEK2):c.1398G>C (p.Leu466Phe)

Gene: CHEK2 (checkpoint kinase 2; minus strand). Cytogenetic location: 22q12.1.
Variant type: single nucleotide variant.
Coding change: c.1398G>C on transcript NM_007194.4 (MANE Select); coding-DNA position 1398, G replaced by C.
Protein change: p.Leu466Phe; replaces leucine 466 with phenylalanine.
Molecular consequence: missense variant.
Genome position (GRCh38, 1-based): chr22:28,694,095, C>G on the plus strand (G>C on the coding strand, the complement: CHEK2 is on the minus strand). VCF-style: chr22-28694095-C-G. GRCh37 (hg19) VCF-style: chr22-29090083-C-G.
Other names: c.1527G>C, p.Leu509Phe (NM_001005735.3); c.735G>C, p.Leu245Phe (NM_001257387.3); c.1197G>C, p.Leu399Phe (NM_001349956.3); c.1311G>C, p.Leu437Phe (NM_145862.3); short protein forms L437F, L245F, L509F, L466F, L399F.
Identifiers: ClinVar variation 1771677 (VCV001771677.2), dbSNP rs2145786095, ClinGen allele CA411094416.